The following is an entry in ClinVar:

ClinVar aggregate classification (germline): Likely benign. Review status: criteria provided, multiple submitters, no conflicts (2 of 4 stars). 3 submissions from 3 submitters: Likely benign (2). 1 of the submissions does not count toward it. Last evaluated 2025-02-01.

Conditions:
PHACTR1-related disorder. Also called: PHACTR1-related condition.

Allele frequency attached by ClinVar (database versions not stated): ExAC 0.00004; gnomAD exomes 0.00004; gnomAD 0.00005; TOPMed 0.00008; 1000 Genomes Project 30x 0.00016; 1000 Genomes Project 0.00020.
gnomAD v4.1: 68 of 1,613,842 alleles (0.0042%); highest among the groups gnomAD compares: East Asian, 0.067%; no homozygotes.

Submissions (3):

CeGaT Center for Human Genetics Tuebingen
Classification: Likely benign. Last evaluated: 2025-02-01. Review status: criteria provided, single submitter. Criteria: CeGaT Center For Human Genetics Tuebingen Variant Classification Criteria Version 2. Collection method: clinical testing. Allele origin: germline. Affected: yes. Observed: 1 variant allele.
Comment: PHACTR1: BP4, BP7

Blueprint Genetics
Classification: Likely benign. Last evaluated: 2023-04-20. Review status: criteria provided, single submitter. Criteria: ACMG Guidelines, 2015. Collection method: clinical testing. Allele origin: germline.

PreventionGenetics, part of Exact Sciences
Classification: Likely benign for PHACTR1-related condition. Last evaluated: 2019-08-01. Review status: no assertion criteria provided. Collection method: clinical testing. Allele origin: germline. Not counted in ClinVar's aggregate classification.
Comment: This variant is classified as likely benign based on ACMG/AMP sequence variant interpretation guidelines (Richards et al. 2015 PMID: 25741868, with internal and published modifications).

NM_030948.6(PHACTR1):c.1623G>A (p.Pro541=)

Genes: PHACTR1 (phosphatase and actin regulator 1; plus strand), TBC1D7-LOC100130357 (TBC1D7-LOC100130357 readthrough; minus strand), LOC100130357 (uncharacterized LOC100130357; minus strand). Cytogenetic location: 6p24.1.
Variant type: single nucleotide variant.
Coding change: c.1623G>A on transcript NM_030948.6 (MANE Select); coding-DNA position 1623, G replaced by A.
Protein change: p.Pro541=; no amino-acid change (proline 541 retained).
Molecular consequence: synonymous variant. On other transcripts: intron variant (1).
Genome position (GRCh38, 1-based): chr6:13,283,535, G>A. VCF-style: chr6-13283535-G-A. GRCh37 (hg19) VCF-style: chr6-13283767-G-A.
Other names: c.1623G>A, p.Pro541= (NM_001242648.4, NM_001322308.3, NM_001322309.3 and 1 more transcripts); c.1830G>A, p.Pro610= (NM_001322310.2); c.1347G>A, p.Pro449= (NM_001322311.2, NM_001322312.3, NM_001374583.2); c.1554G>A, p.Pro518= (NM_001322313.2); c.1833G>A, p.Pro611= (NM_001322314.4); c.*40-15700C>T (NM_001318809.2).
Identifiers: ClinVar variation 3035239 (VCV003035239.16), dbSNP rs532711531, ClinGen allele CA3639436.